The following is an entry in ClinVar:

ClinVar aggregate classification (germline): Uncertain significance (1 of 4 stars; one submission).

Submission:

Ambry Genetics
Classification: Uncertain significance. Last evaluated: 2022-08-29. Review status: criteria provided, single submitter. Criteria: Ambry Variant Classification Scheme 2023. Collection method: clinical testing. Allele origin: germline.
Comment: The p.Q2112R variant (also known as c.6335A>G), located in coding exon 47 of the PRKDC gene, results from an A to G substitution at nucleotide position 6335. The glutamine at codon 2112 is replaced by arginine, an amino acid with highly similar properties. This amino acid position is conserved. Since supporting evidence is limited at this time, the clinical significance of this alteration remains unclear.

NM_006904.7(PRKDC):c.6335A>G (p.Gln2112Arg)

Gene: PRKDC (protein kinase, DNA-activated, catalytic subunit; minus strand). Cytogenetic location: 8q11.21.
Variant type: single nucleotide variant.
Coding change: c.6335A>G on transcript NM_006904.7 (MANE Select); coding-DNA position 6335, A replaced by G.
Protein change: p.Gln2112Arg; replaces glutamine 2112 with arginine.
Molecular consequence: missense variant.
Genome position (GRCh38, 1-based): chr8:47,858,859, T>C on the plus strand (A>G on the coding strand, the complement: PRKDC is on the minus strand). VCF-style: chr8-47858859-T-C. GRCh37 (hg19) VCF-style: chr8-48771420-T-C.
Other names: c.6335A>G, p.Gln2112Arg (NM_001081640.2); short protein forms Q2112R.
Identifiers: ClinVar variation 1752917 (VCV001752917.2), dbSNP rs946775094, ClinGen allele CA371160835.